The following is an entry in ClinVar:

NM_004522.3(KIF5C):c.2210+302del

Gene: KIF5C (kinesin family member 5C; plus strand). Cytogenetic location: 2q23.1.
Variant type: Deletion.
Coding change: c.2210+302del on transcript NM_004522.3 (MANE Select); 302 bases into the intron after coding-DNA position 2210, one base deleted (A; older notation c.2210+302delA).
Molecular consequence: intron variant.
Genome position (GRCh38, 1-based): chr2:148,998,811, A deleted. VCF-style (leftmost placement, unchanged base first): chr2-148998810-GA-G. GRCh37 (hg19) VCF-style: chr2-149855324-GA-G.
Identifiers: ClinVar variation 672422 (VCV000672422.1), dbSNP rs777601616, ClinGen allele CA57593827.
Genomic context (GRCh38, chr2:148,998,810, plus strand): 5'-GAGGGCCAGGGTCACATAGGTGATTCCGCTGGATGGACGCATGCCCCAGTAGATGGGGGG[GA>G]GCATCTGTAATGAAAGCACCAAAAAAAAAAAAAAAAAAGAAAAGAAAAGAAAAGAAAAAA-3'

ClinVar aggregate classification (germline): Likely benign (1 of 4 stars; one submission).

Allele frequency attached by ClinVar (database versions not stated): gnomAD exomes 0.00048; gnomAD 0.00598 and 0.00626; 1000 Genomes Project 30x 0.00999.

Submission:

GeneDx
Classification: Likely benign. Last evaluated: 2018-06-14. Review status: criteria provided, single submitter. Criteria: GeneDx Variant Classification (06012015). Collection method: clinical testing. Allele origin: germline. Affected: yes.
Comment: This variant is considered likely benign or benign based on one or more of the following criteria: it is a conservative change, it occurs at a poorly conserved position in the protein, it is predicted to be benign by multiple in silico algorithms, and/or has population frequency not consistent with disease.